The following is an entry in ClinVar:

ClinVar aggregate classification (germline): Likely benign. Review status: criteria provided, multiple submitters, no conflicts (2 of 4 stars). 2 submissions from 2 submitters: Likely benign (2). Last evaluated 2024-04-16.

Conditions:
Catecholaminergic polymorphic ventricular tachycardia (CVPT). Also called: Catecholamine-induced polymorphic ventricular tachycardia. Identifiers: Orphanet 3286, MedGen C5574922, MONDO:0017990.

gnomAD v4.1: 1 of 1,613,772 alleles (0.000062%); no homozygotes.

Submissions (2):

All of Us Research Program, National Institutes of Health
Classification: Likely benign for Catecholaminergic polymorphic ventricular tachycardia. Last evaluated: 2024-04-16. Review status: criteria provided, single submitter. Criteria: ACMG Guidelines, 2015. Collection method: clinical testing. Allele origin: germline. Inheritance: Autosomal dominant inheritance. Observed: 1 variant allele, 1 heterozygote.
Comment: This study involves interpretation of variants in research participants for the purpose of population health screening. Participant phenotype was not available at the time of variant classification. Additional details can be found in publication PMID: 35346344, PMCID: PMC8962531

Labcorp Genetics (formerly Invitae), Labcorp
Classification: Likely benign for Catecholaminergic polymorphic ventricular tachycardia 1. Last evaluated: 2018-06-14. Review status: criteria provided, single submitter. Criteria: Invitae Variant Classification Sherloc (09022015). Collection method: clinical testing. Allele origin: germline.

NM_001035.3(RYR2):c.1041T>C (p.Asp347=)

Gene: RYR2 (ryanodine receptor 2; plus strand). Cytogenetic location: 1q43.
Variant type: single nucleotide variant.
Coding change: c.1041T>C on transcript NM_001035.3 (MANE Select); coding-DNA position 1041, T replaced by C.
Protein change: p.Asp347=; no amino-acid change (aspartic acid 347 retained).
Molecular consequence: synonymous variant.
Genome position (GRCh38, 1-based): chr1:237,441,354, T>C. VCF-style: chr1-237441354-T-C. GRCh37 (hg19) VCF-style: chr1-237604654-T-C.
Identifiers: ClinVar variation 761406 (VCV000761406.8), dbSNP rs1572344667, ClinGen allele CA423811542.